The following is an entry in ClinVar:

ClinVar aggregate classification (germline): Uncertain significance (1 of 4 stars; one submission).

Conditions:
Severe combined immunodeficiency, autosomal recessive, T cell-negative, B cell-negative, NK cell-positive. Also called: Severe combined immunodeficiency due to complete RAG1/2 deficiency; SCID, T CELL-NEGATIVE, B CELL-NEGATIVE, NK CELL-POSITIVE; SCID, AR, T-cell negative, B-cell negative, NK cell-positive. Identifiers: Orphanet 331206, MedGen C1832322, MONDO:0011086, OMIM 601457.
Combined immunodeficiency with skin granulomas. Identifiers: Orphanet 157949, MedGen C2673536, MONDO:0009306, OMIM 233650.

gnomAD v4.1: 3 of 1,614,084 alleles (0.00019%); highest among the groups gnomAD compares: Non-Finnish European, 0.00025%; no homozygotes.

Submission:

Labcorp Genetics (formerly Invitae), Labcorp
Classification: Uncertain significance for Combined immunodeficiency with skin granulomas; Severe combined immunodeficiency, autosomal recessive, T cell-negative, B cell-negative, NK cell-positive. Last evaluated: 2024-07-01. Review status: criteria provided, single submitter. Criteria: Invitae Variant Classification Sherloc (09022015). Collection method: clinical testing. Allele origin: germline.
Comment: This sequence change replaces glycine, which is neutral and non-polar, with glutamic acid, which is acidic and polar, at codon 816 of the RAG1 protein (p.Gly816Glu). This variant is present in population databases (rs770103028, gnomAD 0.002%). This variant has not been reported in the literature in individuals affected with RAG1-related conditions. Advanced modeling of protein sequence and biophysical properties (such as structural, functional, and spatial information, amino acid conservation, physicochemical variation, residue mobility, and thermodynamic stability) has been performed at Invitae for this missense variant, however the output from this modeling did not meet the statistical confidence thresholds required to predict the impact of this variant on RAG1 protein function. In summary, the available evidence is currently insufficient to determine the role of this variant in disease. Therefore, it has been classified as a Variant of Uncertain Significance.

NM_000448.3(RAG1):c.2447G>A (p.Gly816Glu)

Gene: RAG1 (recombination activating 1; plus strand). Cytogenetic location: 11p12.
Variant type: single nucleotide variant.
Coding change: c.2447G>A on transcript NM_000448.3 (MANE Select); coding-DNA position 2447, G replaced by A.
Protein change: p.Gly816Glu; replaces glycine 816 with glutamic acid.
Molecular consequence: missense variant.
Genome position (GRCh38, 1-based): chr11:36,575,751, G>A. VCF-style: chr11-36575751-G-A. GRCh37 (hg19) VCF-style: chr11-36597301-G-A.
Other names: c.2447G>A, p.Gly816Glu (NM_001377277.1, NM_001377278.1, NM_001377279.1 and 1 more transcripts); short protein forms G816E.
Identifiers: ClinVar variation 3750826 (VCV003750826.2).